The following is an entry in ClinVar:

NM_006904.7(PRKDC):c.3464+10C>T

Gene: PRKDC (protein kinase, DNA-activated, catalytic subunit; minus strand). Cytogenetic location: 8q11.21.
Variant type: single nucleotide variant.
Coding change: c.3464+10C>T on transcript NM_006904.7 (MANE Select); 10 bases into the intron after coding-DNA position 3464, C replaced by T.
Molecular consequence: intron variant.
Genome position (GRCh38, 1-based): chr8:47,898,460, G>A on the plus strand (C>T on the coding strand, the complement: PRKDC is on the minus strand). VCF-style: chr8-47898460-G-A. GRCh37 (hg19) VCF-style: chr8-48811020-G-A.
Other names: c.3464+10C>T (NM_001081640.2).
Identifiers: ClinVar variation 3352960 (VCV003352960.3).
Genomic context (GRCh38, chr8:47,898,460, plus strand): 5'-TTGTCCTTCATTAGCTGTGAATTAGTTTTATGTTGTGGGAAAAGACGGAAAAGGAAGCAA[G>A]ATCACCTACCGCGGCAAACGTCGTTTCTTTGCTTTATTTAAAGAAACATGCTTCTTTTCA-3'

ClinVar aggregate classification (germline): Likely benign. Review status: criteria provided, single submitter (1 of 4 stars). 2 submissions from 2 submitters: Likely benign (1). 1 of the submissions does not count toward it. Last evaluated 2024-06-26.

Conditions:
Severe combined immunodeficiency due to DNA-PKcs deficiency. Also called: Immunodeficiency 26 with or without neurologic abnormalities; IMMUNODEFICIENCY 26 WITH NEUROLOGIC ABNORMALITIES. Identifiers: Orphanet 317425, MedGen C4014833, MONDO:0014423, OMIM 615966.
PRKDC-related disorder. Also called: PRKDC-related condition.

gnomAD v4.1: 1 of 1,542,102 alleles (0.000065%); highest among the groups gnomAD compares: Admixed American, 0.002%; no homozygotes.

Submissions (2):

Labcorp Genetics (formerly Invitae), Labcorp
Classification: Likely benign for Severe combined immunodeficiency due to DNA-PKcs deficiency. Last evaluated: 2024-06-26. Review status: criteria provided, single submitter. Criteria: Invitae Variant Classification Sherloc (09022015). Collection method: clinical testing. Allele origin: germline.

PreventionGenetics, part of Exact Sciences
Classification: Likely benign for PRKDC-related condition. Last evaluated: 2019-02-26. Review status: no assertion criteria provided. Collection method: clinical testing. Allele origin: germline. Not counted in ClinVar's aggregate classification.
Comment: This variant is classified as likely benign based on ACMG/AMP sequence variant interpretation guidelines (Richards et al. 2015 PMID: 25741868, with internal and published modifications).